The following is an entry in ClinVar:

ClinVar aggregate classification (germline): Uncertain significance. Review status: criteria provided, multiple submitters, no conflicts (2 of 4 stars). 2 submissions from 2 submitters: Uncertain significance (2). Last evaluated 2025-04-30.

Conditions:
Inborn genetic diseases. Identifiers: MedGen C0950123, MeSH D030342.
PRPH2-related disorder. Also called: PRPH2-related condition; PRPH2-related disorders. Identifiers: MedGen CN239395.

Allele frequency attached by ClinVar (database versions not stated): gnomAD exomes below 0.00001.
gnomAD v4.1: 1 of 1,614,134 alleles (0.000062%); highest among the groups gnomAD compares: Admixed American, 0.0017%; no homozygotes.

Submissions (2):

Labcorp Genetics (formerly Invitae), Labcorp
Classification: Uncertain significance for PRPH2-related disorder. Last evaluated: 2025-04-30. Review status: criteria provided, single submitter. Criteria: Invitae Variant Classification Sherloc (09022015). Collection method: clinical testing. Allele origin: germline.
Comment: This sequence change replaces serine, which is neutral and polar, with phenylalanine, which is neutral and non-polar, at codon 188 of the PRPH2 protein (p.Ser188Phe). This variant is present in population databases (no rsID available, gnomAD 0.003%). This variant has not been reported in the literature in individuals affected with PRPH2-related conditions. ClinVar contains an entry for this variant (Variation ID: 2110526). Invitae Evidence Modeling of protein sequence and biophysical properties (such as structural, functional, and spatial information, amino acid conservation, physicochemical variation, residue mobility, and thermodynamic stability) has been performed for this missense variant. However, the output from this modeling did not meet the statistical confidence thresholds required to predict the impact of this variant on PRPH2 protein function. In summary, the available evidence is currently insufficient to determine the role of this variant in disease. Therefore, it has been classified as a Variant of Uncertain Significance.

Ambry Genetics
Classification: Uncertain significance for Inborn genetic diseases. Last evaluated: 2024-11-11. Review status: criteria provided, single submitter. Criteria: Ambry Variant Classification Scheme 2023. Collection method: clinical testing. Allele origin: germline.

NM_000322.5(PRPH2):c.563C>T (p.Ser188Phe)

Gene: PRPH2 (peripherin 2; minus strand). Cytogenetic location: 6p21.1.
Variant type: single nucleotide variant.
Coding change: c.563C>T on transcript NM_000322.5 (MANE Select); coding-DNA position 563, C replaced by T.
Protein change: p.Ser188Phe; replaces serine 188 with phenylalanine.
Molecular consequence: missense variant.
Genome position (GRCh38, 1-based): chr6:42,721,772, G>A on the plus strand (C>T on the coding strand, the complement: PRPH2 is on the minus strand). VCF-style: chr6-42721772-G-A. GRCh37 (hg19) VCF-style: chr6-42689510-G-A.
Other names: c.563C>T (NM_000322.4); short protein forms S188F.
Identifiers: ClinVar variation 2110526 (VCV002110526.5), dbSNP rs1369548018, ClinGen allele CA364137198.